The following is an entry in ClinVar:

NM_015610.4(WIPI2):c.115C>T (p.Arg39Cys)

Gene: WIPI2 (WD repeat domain, phosphoinositide interacting 2; plus strand). Cytogenetic location: 7p22.1.
Variant type: single nucleotide variant.
Coding change: c.115C>T on transcript NM_015610.4 (MANE Select); coding-DNA position 115, C replaced by T.
Protein change: p.Arg39Cys; replaces arginine 39 with cysteine.
Molecular consequence: missense variant. On other transcripts: 5 prime UTR variant (1), intron variant (2).
Genome position (GRCh38, 1-based): chr7:5,193,158, C>T. VCF-style: chr7-5193158-C-T. GRCh37 (hg19) VCF-style: chr7-5232789-C-T.
Other names: c.115C>T, p.Arg39Cys (NM_001033518.2); c.-492C>T (NM_001278299.2); c.74+2665C>T (NM_016003.4, NM_001033519.2); short protein forms R39C.
Identifiers: ClinVar variation 4681332 (VCV004681332.5).

ClinVar aggregate classification (germline): Likely benign (1 of 4 stars; one submission).

Submission:

CeGaT Center for Human Genetics Tuebingen
Classification: Likely benign. Last evaluated: 2025-12-01. Review status: criteria provided, single submitter. Criteria: CeGaT Center For Human Genetics Tuebingen Variant Classification Criteria Version 2. Collection method: clinical testing. Allele origin: germline. Affected: yes. Observed: 1 variant allele.
Comment: WIPI2: BP4, BS2